The following is an entry in ClinVar:

NM_000222.3(KIT):c.2617A>T (p.Met873Leu)

Gene: KIT (KIT proto-oncogene, receptor tyrosine kinase; plus strand). Cytogenetic location: 4q12.
Variant type: single nucleotide variant.
Coding change: c.2617A>T on transcript NM_000222.3 (MANE Select); coding-DNA position 2617, A replaced by T.
Protein change: p.Met873Leu; replaces methionine 873 with leucine.
Molecular consequence: missense variant.
Genome position (GRCh38, 1-based): chr4:54,736,741, A>T. VCF-style: chr4-54736741-A-T. GRCh37 (hg19) VCF-style: chr4-55602907-A-T.
Other names: c.2605A>T, p.Met869Leu (NM_001093772.2, NM_001385292.1); c.2620A>T, p.Met874Leu (NM_001385284.1); c.2614A>T, p.Met872Leu (NM_001385285.1); c.2602A>T, p.Met868Leu (NM_001385286.1); c.2608A>T, p.Met870Leu (NM_001385288.1); c.2617A>T, p.Met873Leu (NM_001385290.1); short protein forms M869L, M873L, M874L, M868L, M870L, M872L.
Identifiers: ClinVar variation 1044929 (VCV001044929.11), dbSNP rs1404045332, ClinGen allele CA356913681.

ClinVar aggregate classification (germline): Uncertain significance. Review status: criteria provided, multiple submitters, no conflicts (2 of 4 stars). 2 submissions from 2 submitters: Uncertain significance (2). Last evaluated 2025-07-22.

Conditions:
Gastrointestinal stromal tumor. Also called: Gastrointestinal stromal tumor, somatic; Gastrointestinal stroma tumor. Identifiers: Orphanet 44890, MedGen C0238198, MeSH D046152, MONDO:0011719, OMIM 606764, HP:0100723.
Hereditary cancer-predisposing syndrome. Also called: Tumor predisposition; Neoplastic Syndromes, Hereditary; Hereditary neoplastic syndrome; Hereditary Cancer Syndrome. Identifiers: Orphanet 140162, MedGen C0027672, MeSH D009386, MONDO:0015356.

Allele frequency attached by ClinVar (database versions not stated): gnomAD exomes below 0.00001; TOPMed below 0.00001; gnomAD 0.00001.
gnomAD v4.1: 5 of 1,614,018 alleles (0.00031%); highest among the groups gnomAD compares: Non-Finnish European, 0.00042%; no homozygotes.

Submissions (2):

Labcorp Genetics (formerly Invitae), Labcorp
Classification: Uncertain significance for Gastrointestinal stromal tumor. Last evaluated: 2025-07-22. Review status: criteria provided, single submitter. Criteria: Invitae Variant Classification Sherloc (09022015). Collection method: clinical testing. Allele origin: germline.
Comment: This sequence change replaces methionine, which is neutral and non-polar, with leucine, which is neutral and non-polar, at codon 873 of the KIT protein (p.Met873Leu). This variant is present in population databases (no rsID available, gnomAD 0.007%). This variant has not been reported in the literature in individuals affected with KIT-related conditions. ClinVar contains an entry for this variant (Variation ID: 1044929). An algorithm developed to predict the effect of missense changes on protein structure and function (PolyPhen-2) suggests that this variant is likely to be tolerated. In summary, the available evidence is currently insufficient to determine the role of this variant in disease. Therefore, it has been classified as a Variant of Uncertain Significance.

Ambry Genetics
Classification: Uncertain significance for Hereditary cancer-predisposing syndrome. Last evaluated: 2024-01-26. Review status: criteria provided, single submitter. Criteria: Ambry Variant Classification Scheme 2023. Collection method: clinical testing. Allele origin: germline.
Comment: The p.M873L variant (also known as c.2617A>T), located in coding exon 19 of the KIT gene, results from an A to T substitution at nucleotide position 2617. The methionine at codon 873 is replaced by leucine, an amino acid with highly similar properties. This amino acid position is conserved. In addition, the in silico prediction for this alteration is inconclusive. Since supporting evidence is limited at this time, the clinical significance of this alteration remains unclear.